The following is an entry in ClinVar:

ClinVar aggregate classification (germline): Benign/Likely benign. Review status: criteria provided, multiple submitters, no conflicts (2 of 4 stars). 5 submissions from 5 submitters: Benign (1); Likely benign (2). 2 of the submissions do not count toward it. Last evaluated 2026-09-01.

Allele frequency attached by ClinVar (database versions not stated): ExAC 0.00006; gnomAD 0.00009 and 0.00010; gnomAD exomes 0.00011 and 0.00012; TOPMed 0.00014; ESP Exome Variant Server 0.00019.
gnomAD v4.1: 132 of 1,210,258 alleles (0.011%); highest among the groups gnomAD compares: Middle Eastern, 0.39%; no homozygotes.

Submissions (5):

CeGaT Center for Human Genetics Tuebingen
Classification: Likely benign. Last evaluated: 2026-09-01. Review status: criteria provided, single submitter. Criteria: CeGaT Center For Human Genetics Tuebingen Variant Classification Criteria Version 2. Collection method: clinical testing. Allele origin: germline. Affected: yes. Observed: 3 variant alleles.
Comment: MAMLD1: BP4

Labcorp Genetics (formerly Invitae), Labcorp
Classification: Benign. Last evaluated: 2025-10-01. Review status: criteria provided, single submitter. Criteria: Invitae Variant Classification Sherloc (09022015). Collection method: clinical testing. Allele origin: germline.

Breakthrough Genomics
Classification: Likely benign. Review status: criteria provided, single submitter. Criteria: ACMG Guidelines, 2015. Collection method: not provided. Allele origin: germline. Inheritance: X-linked inheritance. Affected: yes.

Clinical Genetics DNA and cytogenetics Diagnostics Lab, Erasmus MC, Erasmus Medical Center
Classification: Likely benign. Review status: no assertion criteria provided. Collection method: clinical testing. Allele origin: germline. Affected: yes. Study: VKGL Data-share Consensus. Not counted in ClinVar's aggregate classification.

Laboratory of Diagnostic Genome Analysis, Leiden University Medical Center (LUMC)
Classification: Likely benign. Review status: no assertion criteria provided. Collection method: clinical testing. Allele origin: germline. Affected: yes. Study: VKGL Data-share Consensus. Not counted in ClinVar's aggregate classification.

NM_005491.5(MAMLD1):c.361G>A (p.Ala121Thr)

Gene: MAMLD1 (mastermind like domain containing 1; plus strand). Cytogenetic location: Xq28.
Variant type: single nucleotide variant.
Coding change: c.361G>A on transcript NM_005491.5 (MANE Select); coding-DNA position 361, G replaced by A.
Protein change: p.Ala121Thr; replaces alanine 121 with threonine.
Molecular consequence: missense variant.
Genome position (GRCh38, 1-based): chrX:150,469,934, G>A. VCF-style: chrX-150469934-G-A. GRCh37 (hg19) VCF-style: chrX-149638206-G-A.
Other names: c.286G>A, p.Ala96Thr (NM_001177465.3, NM_001177466.3, NM_001400514.1); c.361G>A, p.Ala121Thr (NM_001400512.1, NM_001400513.1, NM_001400515.1); short protein forms A121T, A96T.
Identifiers: ClinVar variation 1206353 (VCV001206353.18), dbSNP rs201006027, ClinGen allele CA10538659.